The following is an entry in ClinVar:

GRCh38/hg38 11p13(chr11:33031527-33620145)x3

Genes: CSTF3 (cleavage stimulation factor subunit 3; minus strand), CSTF3-DT (CSTF3 divergent transcript; plus strand), DEPDC7 (DEP domain containing 7; plus strand), HIPK3 (homeodomain interacting protein kinase 3; plus strand), KIAA1549L (KIAA1549 like; plus strand) and 19 more. Cytogenetic location: 11p13.
Variant type: copy number gain.
Change: copy number 3 (three copies instead of two) of chr11:33,031,527-33,620,145 (588.6 kb, GRCh38 coordinates, 1-based), cytogenetic band 11p13.
Identifiers: ClinVar variation 56995 (VCV000056995.1).

ClinVar aggregate classification (germline): Uncertain significance (1 of 4 stars; one submission).

Submission:

ISCA site 4
Classification: Uncertain significance. Last evaluated: 2011-08-12. Review status: criteria provided, single submitter. Criteria: Kaminsky et al. (Genet Med. 2011). Collection method: clinical testing. Allele origin: unknown. Affected: yes. Observed: 1 variant allele.
Comment: Copy number variation identified through the course of routine clinical cytogenomic testing in postnatal populations. Clinical assertions have been curated as described in Kaminsky et al. 2011.